The following is an entry in ClinVar:

NM_032578.4(MYPN):c.1446G>T (p.Arg482Ser)

Gene: MYPN (myopalladin; plus strand). Cytogenetic location: 10q21.3.
Variant type: single nucleotide variant.
Coding change: c.1446G>T on transcript NM_032578.4 (MANE Select); coding-DNA position 1446, G replaced by T.
Protein change: p.Arg482Ser; replaces arginine 482 with serine.
Molecular consequence: missense variant. On other transcripts: non-coding transcript variant (2).
Genome position (GRCh38, 1-based): chr10:68,158,614, G>T. VCF-style: chr10-68158614-G-T. GRCh37 (hg19) VCF-style: chr10-69918371-G-T.
Other names: c.1446G>T, p.Arg482Ser (NM_001256267.2); c.564G>T, p.Arg188Ser (NM_001256268.2); c.1446G>T (NM_032578.2); short protein forms R188S, R482S.
Identifiers: ClinVar variation 1026519 (VCV001026519.9), dbSNP rs1016349010, ClinGen allele CA208187009.

ClinVar aggregate classification (germline): Uncertain significance. Review status: criteria provided, multiple submitters, no conflicts (2 of 4 stars). 2 submissions from 2 submitters: Uncertain significance (2). Last evaluated 2025-10-29.

Conditions:
Cardiovascular phenotype. Identifiers: MedGen CN230736.
Dilated cardiomyopathy 1KK (CMD1KK). Identifiers: Orphanet 154, Orphanet 75249, MedGen C3714995, MONDO:0014100, OMIM 615248.

Allele frequency attached by ClinVar (database versions not stated): gnomAD exomes 0.00001; TOPMed 0.00002.
gnomAD v4.1: 4 of 1,593,164 alleles (0.00025%); highest among the groups gnomAD compares: Admixed American, 0.0067%; no homozygotes.

Submissions (2):

Ambry Genetics
Classification: Uncertain significance for Cardiovascular phenotype. Last evaluated: 2025-10-29. Review status: criteria provided, single submitter. Criteria: Ambry Variant Classification Scheme 2023. Collection method: clinical testing. Allele origin: germline.
Comment: The p.R482S variant (also known as c.1446G>T), located in coding exon 6 of the MYPN gene, results from a G to T substitution at nucleotide position 1446. The arginine at codon 482 is replaced by serine, an amino acid with dissimilar properties. This amino acid position is conserved. In addition, this alteration is predicted to be deleterious by in silico analysis. Based on the available evidence, the clinical significance of this variant remains unclear.

Labcorp Genetics (formerly Invitae), Labcorp
Classification: Uncertain significance for Dilated cardiomyopathy 1KK. Last evaluated: 2023-08-24. Review status: criteria provided, single submitter. Criteria: Invitae Variant Classification Sherloc (09022015). Collection method: clinical testing. Allele origin: germline.
Comment: This sequence change replaces arginine, which is basic and polar, with serine, which is neutral and polar, at codon 482 of the MYPN protein (p.Arg482Ser). In summary, the available evidence is currently insufficient to determine the role of this variant in disease. Therefore, it has been classified as a Variant of Uncertain Significance. An algorithm developed to predict the effect of missense changes on protein structure and function (PolyPhen-2) suggests that this variant is likely to be disruptive. ClinVar contains an entry for this variant (Variation ID: 1026519). This variant has not been reported in the literature in individuals affected with MYPN-related conditions. This variant is present in population databases (no rsID available, gnomAD 0.009%).